The following is an entry in ClinVar:

NM_000388.4(CASR):c.1192G>T (p.Asp398Tyr)

Gene: CASR (calcium sensing receptor; plus strand). Cytogenetic location: 3q21.1.
Variant type: single nucleotide variant.
Coding change: c.1192G>T on transcript NM_000388.4 (MANE Select); coding-DNA position 1192, G replaced by T.
Protein change: p.Asp398Tyr; replaces aspartic acid 398 with tyrosine.
Molecular consequence: missense variant.
Genome position (GRCh38, 1-based): chr3:122,262,227, G>T. VCF-style: chr3-122262227-G-T. GRCh37 (hg19) VCF-style: chr3-121981074-G-T.
Other names: c.1192G>T, p.Asp398Tyr (NM_001178065.2); short protein forms D398Y.
Identifiers: ClinVar variation 844766 (VCV000844766.12), dbSNP rs201177696, ClinGen allele CA354152785.
Genomic context (GRCh38, chr3:122,262,227, plus strand): 5'-GAAGAAAGTGGCGACAGGTTTAGCAACAGCTCGACAGCCTTCCGACCCCTCTGTACAGGG[G>T]ATGAGAACATCAGCAGTGTCGAGACCCCTTACATAGATTACACGCATTTACGGATATCCT-3'
Protein context (NP_000379.3, residues 388-408): STAFRPLCTG[Asp398Tyr]ENISSVETPY

ClinVar aggregate classification (germline): Uncertain significance. Review status: criteria provided, multiple submitters, no conflicts (2 of 4 stars). 3 submissions from 3 submitters: Uncertain significance (3). Last evaluated 2024-03-29.

Conditions:
Nephrolithiasis/nephrocalcinosis. Identifiers: MedGen CN580796.
Familial hypocalciuric hypercalcemia (FHH). Also called: Familial benign hypercalcemia. Identifiers: Orphanet 405, MedGen C1809471, MONDO:0018458.
Autosomal dominant hypocalcemia 1 (HYPOC1). Also called: HYPOCALCEMIA, FAMILIAL. Identifiers: MedGen C3715128, MONDO:0011013, OMIM 601198.
Familial hypocalciuric hypercalcemia 1. Also called: Hypercalcemia, familial benign type 1. Identifiers: Orphanet 405, Orphanet 93372, MedGen C0342637, MONDO:0007791, OMIM 145980.

Submissions (3):

Genomic Medicine Center of Excellence, King Faisal Specialist Hospital and Research Centre
Classification: Uncertain significance for Familial hypocalciuric hypercalcemia 1. Last evaluated: 2024-03-29. Review status: criteria provided, single submitter. Criteria: ACMG Guidelines, 2015. Collection method: clinical testing. Allele origin: germline.

Ambry Genetics
Classification: Uncertain significance for Nephrolithiasis/nephrocalcinosis. Last evaluated: 2023-07-06. Review status: criteria provided, single submitter. Criteria: Ambry Variant Classification Scheme 2023. Collection method: clinical testing. Allele origin: germline.
Comment: The p.D398Y variant (also known as c.1192G>T), located in coding exon 3 of the CASR gene, results from a G to T substitution at nucleotide position 1192. The aspartic acid at codon 398 is replaced by tyrosine, an amino acid with highly dissimilar properties. This amino acid position is conserved. In addition, the in silico prediction for this alteration is inconclusive. Since supporting evidence is limited at this time, the clinical significance of this alteration remains unclear.

Labcorp Genetics (formerly Invitae), Labcorp
Classification: Uncertain significance for Familial hypocalciuric hypercalcemia; Autosomal dominant hypocalcemia 1. Last evaluated: 2020-10-10. Review status: criteria provided, single submitter. Criteria: Invitae Variant Classification Sherloc (09022015). Collection method: clinical testing. Allele origin: germline.
Comment: This sequence change replaces aspartic acid with tyrosine at codon 398 of the CASR protein (p.Asp398Tyr). The aspartic acid residue is highly conserved and there is a large physicochemical difference between aspartic acid and tyrosine. This variant has not been reported in the literature in individuals with CASR-related conditions. Algorithms developed to predict the effect of missense changes on protein structure and function are either unavailable or do not agree on the potential impact of this missense change (SIFT: "Deleterious"; PolyPhen-2: "Benign"; Align-GVGD: "Class C15"). Algorithms developed to predict the effect of sequence changes on RNA splicing suggest that this variant may create or strengthen a splice site, but this prediction has not been confirmed by published transcriptional studies. In summary, the available evidence is currently insufficient to determine the role of this variant in disease. Therefore, it has been classified as a Variant of Uncertain Significance. This variant is not present in population databases (ExAC no frequency).